The following is an entry in ClinVar:

ClinVar aggregate classification (germline): Benign. Review status: criteria provided, multiple submitters, no conflicts (2 of 4 stars). 17 submissions from 16 submitters: Benign (13). 4 of the submissions do not count toward it. Last evaluated 2026-02-04.

Conditions:
Arthrogryposis multiplex congenita 6. Identifiers: MedGen C5543431, MONDO:0030281, OMIM 619334.
Nemaline myopathy 2 (NEM2). Also called: Nemaline myopathy 2, autosomal recessive. Identifiers: MedGen C1850569, MONDO:0009725, OMIM 256030.

Allele frequency attached by ClinVar (database versions not stated): 1000 Genomes Project 30x 0.56746; 1000 Genomes Project 0.56929; TOPMed 0.66535; gnomAD 0.67903 and 0.68008; ESP Exome Variant Server 0.68611; ExAC 0.74375; gnomAD exomes 0.75507 and 0.80094.
gnomAD v4.1: 1,271,370 of 1,613,292 alleles (79%); highest among the groups gnomAD compares: Admixed American, 84%; 514,625 homozygotes.

Submissions (17):

Labcorp Genetics (formerly Invitae), Labcorp
Classification: Benign for Nemaline myopathy 2. Last evaluated: 2026-02-04. Review status: criteria provided, single submitter. Criteria: Invitae Variant Classification Sherloc (09022015). Collection method: clinical testing. Allele origin: germline.

Blueprint Genetics
Classification: Benign. Last evaluated: 2024-11-26. Review status: criteria provided, single submitter. Criteria: ACMG Guidelines, 2015. Collection method: clinical testing. Allele origin: germline.

Genome-Nilou Lab
Classification: Benign for Arthrogryposis multiplex congenita 6. Last evaluated: 2021-07-10. Review status: criteria provided, single submitter. Criteria: ACMG Guidelines, 2015. Collection method: clinical testing. Allele origin: germline. Affected: no.

Genome-Nilou Lab
Classification: Benign for Nemaline myopathy 2. Last evaluated: 2021-07-10. Review status: criteria provided, single submitter. Criteria: ACMG Guidelines, 2015. Collection method: clinical testing. Allele origin: germline. Affected: no.

Athena Diagnostics
Classification: Benign. Last evaluated: 2019-02-21. Review status: criteria provided, single submitter. Criteria: Athena Diagnostics Criteria. Collection method: clinical testing. Allele origin: germline.

Illumina Laboratory Services, Illumina
Classification: Benign for Nemaline myopathy 2. Last evaluated: 2018-01-12. Review status: criteria provided, single submitter. Criteria: ICSL Variant Classification Criteria 13 December 2019. Collection method: clinical testing. Allele origin: germline.
Comment: This variant was observed in the ICSL laboratory as part of a predisposition screen in an ostensibly healthy population. It had not been previously curated by ICSL or reported in the Human Gene Mutation Database (HGMD: prior to June 1st, 2018), and was therefore a candidate for classification through an automated scoring system. Utilizing variant allele frequency, disease prevalence and penetrance estimates, and inheritance mode, an automated score was calculated to assess if this variant is too frequent to cause the disease. Based on the score and internal cut-off values, a variant classified as benign is not then subjected to further curation. The score for this variant resulted in a classification of benign for this disease.

Mayo Clinic Laboratories, Mayo Clinic
Classification: Benign. Last evaluated: 2017-07-20. Review status: criteria provided, single submitter. Criteria: ACMG Guidelines, 2015. Collection method: clinical testing. Allele origin: germline. Observed: 613 variant alleles.

Women's Health and Genetics/Laboratory Corporation of America, LabCorp
Classification: Benign. Last evaluated: 2017-02-27. Review status: criteria provided, single submitter. Criteria: LabCorp Variant Classification Summary - May 2015. Collection method: clinical testing. Allele origin: germline.
Comment: Variant summary: The NEB c.771T>C (p.Ala257Ala) variant causes a synonymous change involving the alteration of a non-conserved nucleotide, which 4/5 splice prediction tools predict no significant impact on normal splicing. The variant of interest was observed in the large, broad control population, ExAC, with an allele frequency of 0.7437533 (89655/120544 (34969 homozygotes)), which indicates that the C allele is the major allele found in the general population. In addition, multiple clinical diagnostic laboratories classify the variant as Benign. Therefore, the variant of interest has been classified as Benign.

GeneDx
Classification: Benign. Last evaluated: 2016-01-05. Review status: criteria provided, single submitter. Criteria: GeneDx Variant Classification (06012015). Collection method: clinical testing. Allele origin: germline. Affected: yes.
Comment: This variant is considered likely benign or benign based on one or more of the following criteria: it is a conservative change, it occurs at a poorly conserved position in the protein, it is predicted to be benign by multiple in silico algorithms, and/or has population frequency not consistent with disease.

Laboratory for Molecular Medicine, Mass General Brigham Personalized Medicine
Classification: Benign. Last evaluated: 2014-11-26. Review status: criteria provided, single submitter. Criteria: LMM Criteria. Collection method: clinical testing. Allele origin: germline. Observed: 12 variant alleles.
Comment: p.Ala257Ala in exon 10 of NEB: This variant is not expected to have clinical sig nificance because it has been identified in 83% (6805/8228) of European American chromosomes by the NHLBI Exome Sequencing Project (/EVS/; dbSNP rs4611637).

Eurofins Ntd Llc (ga)
Classification: Benign. Last evaluated: 2013-03-11. Review status: criteria provided, single submitter. Criteria: EGL Classification Definitions 2015. Collection method: clinical testing. Allele origin: germline. Observed: 7 variant alleles, 2 heterozygotes, 5 homozygotes.

Breakthrough Genomics
Classification: Benign. Review status: criteria provided, single submitter. Criteria: ACMG Guidelines, 2015. Collection method: not provided. Allele origin: germline. Inheritance: Autosomal recessive inheritance. Affected: yes.

PreventionGenetics, part of Exact Sciences
Classification: Benign. Review status: criteria provided, single submitter. Criteria: ACMG Guidelines, 2015. Collection method: clinical testing. Allele origin: germline.

Natera, Inc.
Classification: Benign for Nemaline myopathy type 2. Last evaluated: 2020-09-16. Review status: no assertion criteria provided. Collection method: clinical testing. Allele origin: germline. Not counted in ClinVar's aggregate classification.

Diagnostic Laboratory, Department of Genetics, University Medical Center Groningen
Classification: Benign for Nemaline myopathy 2. Review status: no assertion criteria provided. Collection method: clinical testing. Allele origin: germline. Affected: yes. Study: VKGL Data-share Consensus. Not counted in ClinVar's aggregate classification.

Genetic Services Laboratory, University of Chicago
Classification: Likely benign for AllHighlyPenetrant. Review status: no assertion criteria provided. Collection method: clinical testing. Allele origin: germline. Inheritance: Autosomal recessive inheritance. Not counted in ClinVar's aggregate classification.
Comment: Likely benign based on allele frequency in 1000 Genomes Project or ESP global frequency and its presence in a patient with a rare or unrelated disease phenotype. NOT Sanger confirmed.

Genome Diagnostics Laboratory, University Medical Center Utrecht
Classification: Benign. Review status: no assertion criteria provided. Collection method: clinical testing. Allele origin: germline. Affected: yes. Study: VKGL Data-share Consensus. Not counted in ClinVar's aggregate classification.

NM_001164508.2(NEB):c.771T>C (p.Ala257=)

Gene: NEB (nebulin; minus strand). Cytogenetic location: 2q23.3.
Variant type: single nucleotide variant.
Coding change: c.771T>C on transcript NM_001164508.2 (MANE Select); coding-DNA position 771, T replaced by C.
Protein change: p.Ala257=; no amino-acid change (alanine 257 retained).
Molecular consequence: synonymous variant.
Genome position (GRCh38, 1-based): chr2:151,717,467, A>G on the plus strand (T>C on the coding strand, the complement: NEB is on the minus strand). VCF-style: chr2-151717467-A-G. GRCh37 (hg19) VCF-style: chr2-152573981-A-G.
Other names: p.Ala257=; c.771T>C, p.Ala257= (NM_001164507.2, NM_001271208.2, NM_004543.5).
Identifiers: ClinVar variation 95136 (VCV000095136.35), dbSNP rs4611637, ClinGen allele CA148254.